The following is an entry in ClinVar:

ClinVar aggregate classification (germline): Uncertain significance (1 of 4 stars; one submission).

Allele frequency attached by ClinVar (database versions not stated): gnomAD exomes below 0.00001.
gnomAD v4.1: 2 of 1,614,242 alleles (0.00012%); highest among the groups gnomAD compares: Non-Finnish European, 0.00017%; no homozygotes.

Submission:

Labcorp Genetics (formerly Invitae), Labcorp
Classification: Uncertain significance. Last evaluated: 2023-11-13. Review status: criteria provided, single submitter. Criteria: Invitae Variant Classification Sherloc (09022015). Collection method: clinical testing. Allele origin: germline.
Comment: This sequence change replaces tryptophan, which is neutral and slightly polar, with arginine, which is basic and polar, at codon 303 of the CLCN6 protein (p.Trp303Arg). This variant is not present in population databases (gnomAD no frequency). This variant has not been reported in the literature in individuals affected with CLCN6-related conditions. An algorithm developed to predict the effect of missense changes on protein structure and function (PolyPhen-2) suggests that this variant is likely to be disruptive. In summary, the available evidence is currently insufficient to determine the role of this variant in disease. Therefore, it has been classified as a Variant of Uncertain Significance.

NM_001286.5(CLCN6):c.907T>C (p.Trp303Arg)

Gene: CLCN6 (chloride voltage-gated channel 6; plus strand). Cytogenetic location: 1p36.22.
Variant type: single nucleotide variant.
Coding change: c.907T>C on transcript NM_001286.5 (MANE Select); coding-DNA position 907, T replaced by C.
Protein change: p.Trp303Arg; replaces tryptophan 303 with arginine.
Molecular consequence: missense variant. On other transcripts: non-coding transcript variant (1).
Genome position (GRCh38, 1-based): chr1:11,828,172, T>C. VCF-style: chr1-11828172-T-C. GRCh37 (hg19) VCF-style: chr1-11888229-T-C.
Other names: c.841T>C, p.Trp281Arg (NM_001256959.2); short protein forms W303R, W281R.
Identifiers: ClinVar variation 2869436 (VCV002869436.3), dbSNP rs2523126482, ClinGen allele CA338429755.
Genomic context (GRCh38, chr1:11,828,172, plus strand): 5'-TGTTCCATGTCTGCCACCTTCACCCTCAACTTCTTCCGTTCTGGGATTCAGTTTGGAAGC[T>C]GGGGTTCCTTCCAGCTCCCTGGATTGCTGAACTTTGGCGAGTTTAAGGTATGTTTTGTCC-3'
Protein context (NP_001277.2, residues 293-313): FFRSGIQFGS[Trp303Arg]GSFQLPGLLN